The following is an entry in ClinVar:

ClinVar aggregate classification (germline): Uncertain significance (1 of 4 stars; one submission).

Conditions:
Cardiovascular phenotype. Identifiers: MedGen CN230736.

Allele frequency attached by ClinVar (database versions not stated): gnomAD 0.00001.
gnomAD v4.1: 1 of 1,613,472 alleles (0.000062%); highest among the groups gnomAD compares: African/African-American, 0.0013%; no homozygotes.

Submission:

Ambry Genetics
Classification: Uncertain significance for Cardiovascular phenotype. Last evaluated: 2021-10-26. Review status: criteria provided, single submitter. Criteria: Ambry Variant Classification Scheme 2023. Collection method: clinical testing. Allele origin: germline.
Comment: The p.H343L variant (also known as c.1028A>T), located in coding exon 4 of the LOX gene, results from an A to T substitution at nucleotide position 1028. The histidine at codon 343 is replaced by leucine, an amino acid with similar properties. This amino acid position is conserved. In addition, the in silico prediction for this alteration is inconclusive. Since supporting evidence is limited at this time, the clinical significance of this alteration remains unclear.

NM_002317.7(LOX):c.1028A>T (p.His343Leu)

Genes: LOX (lysyl oxidase; minus strand), SRFBP1 (serum response factor binding protein 1; plus strand). Cytogenetic location: 5q23.1.
Variant type: single nucleotide variant.
Coding change: c.1028A>T on transcript NM_002317.7 (MANE Select); coding-DNA position 1028, A replaced by T.
Protein change: p.His343Leu; replaces histidine 343 with leucine.
Molecular consequence: missense variant.
Genome position (GRCh38, 1-based): chr5:122,074,020, T>A on the plus strand (A>T on the coding strand, the complement: LOX is on the minus strand). VCF-style: chr5-122074020-T-A. GRCh37 (hg19) VCF-style: chr5-121409715-T-A.
Other names: c.338A>T, p.His113Leu (NM_001178102.2); c.137A>T, p.His46Leu (NM_001317073.1); short protein forms H113L, H46L, H343L.
Identifiers: ClinVar variation 1770079 (VCV001770079.2), dbSNP rs1305869804, ClinGen allele CA360881312.